The following is an entry in ClinVar:

NM_014611.3(MDN1):c.14970C>T (p.Ala4990=)

Genes: MDN1 (midasin AAA ATPase 1; minus strand), MDN1-AS1 (MDN1 antisense RNA 1; plus strand), LOC126859739 (BRD4-independent group 4 enhancer GRCh37_chr6:90367565-90368764; plus strand). Cytogenetic location: 6q15.
Variant type: single nucleotide variant.
Coding change: c.14970C>T on transcript NM_014611.3 (MANE Select); coding-DNA position 14970, C replaced by T.
Protein change: p.Ala4990=; no amino-acid change (alanine 4990 retained).
Molecular consequence: synonymous variant.
Genome position (GRCh38, 1-based): chr6:89,658,661, G>A on the plus strand (C>T on the coding strand, the complement: MDN1 is on the minus strand). VCF-style: chr6-89658661-G-A. GRCh37 (hg19) VCF-style: chr6-90368380-G-A.
Identifiers: ClinVar variation 3058944 (VCV003058944.2), dbSNP rs34732313, ClinGen allele CA3922393.

ClinVar aggregate classification (germline): Benign (0 of 4 stars; one submission).

Conditions:
MDN1-related disorder. Also called: MDN1-related condition.

Allele frequency attached by ClinVar (database versions not stated): 1000 Genomes Project 30x 0.10369; 1000 Genomes Project 0.10403; TOPMed 0.10519; gnomAD 0.10947; ESP Exome Variant Server 0.11672; ExAC 0.12405; gnomAD exomes 0.13403.

Submission:

PreventionGenetics, part of Exact Sciences
Classification: Benign for MDN1-related condition. Last evaluated: 2019-10-23. Review status: no assertion criteria provided. Collection method: clinical testing. Allele origin: germline.
Comment: This variant is classified as benign based on ACMG/AMP sequence variant interpretation guidelines (Richards et al. 2015 PMID: 25741868, with internal and published modifications).